The following is an entry in ClinVar:

ClinVar aggregate classification (germline): Conflicting classifications of pathogenicity. Review status: criteria provided, conflicting classifications (1 of 4 stars). 2 submissions from 2 submitters: Likely pathogenic (1); Uncertain significance (1). Last evaluated 2026-06-01.

Conditions:
Alternating hemiplegia of childhood 1 (AHC1). Identifiers: Orphanet 2131, MedGen C3549447, MONDO:0007087, OMIM 104290.

Allele frequency attached by ClinVar (database versions not stated): gnomAD exomes below 0.00001.
gnomAD v4.1: 1 of 1,614,136 alleles (0.000062%); highest among the groups gnomAD compares: Non-Finnish European, 0.000085%; no homozygotes.

Submissions (2):

CeGaT Center for Human Genetics Tuebingen
Classification: Likely pathogenic. Last evaluated: 2026-06-01. Review status: criteria provided, single submitter. Criteria: CeGaT Center For Human Genetics Tuebingen Variant Classification Criteria Version 2. Collection method: clinical testing. Allele origin: germline. Affected: yes. Observed: 1 variant allele.
Comment: ATP1A2: PM2, PM5, PP2, PP3

Neuberg Centre For Genomic Medicine, NCGM
Classification: Uncertain significance for Alternating hemiplegia of childhood 1. Review status: criteria provided, single submitter. Criteria: ACMG Guidelines, 2015. Collection method: clinical testing. Allele origin: germline. Affected: yes.
Comment: The missense variant in c.2936C>G (p.Pro979Arg) in ATP1A2 gene has not been reported previously as a pathogenic variant nor as a benign variant, to our knowledge. The p.Pro979Arg variant is novel (not in any individuals) in gnomAD Exomes and 1000 Genomes. The amino acid Pro at position 979 is changed to a Arg changing protein sequence and it might alter its composition and physico-chemical properties. The variant is predicted to be damaging by both SIFT and PolyPhen2. The residue is conserved across species. The amino acid change p.Pro979Arg in ATP1A2 is predicted as conserved by GERP++ and PhyloP across 100 vertebrates. For these reasons, this variant has been classified as Uncertain Significance.

NM_000702.4(ATP1A2):c.2936C>G (p.Pro979Arg)

Gene: ATP1A2 (ATPase Na+/K+ transporting subunit alpha 2; plus strand). Cytogenetic location: 1q23.2.
Variant type: single nucleotide variant.
Coding change: c.2936C>G on transcript NM_000702.4 (MANE Select); coding-DNA position 2936, C replaced by G.
Protein change: p.Pro979Arg; replaces proline 979 with arginine.
Molecular consequence: missense variant.
Genome position (GRCh38, 1-based): chr1:160,139,735, C>G. VCF-style: chr1-160139735-C-G. GRCh37 (hg19) VCF-style: chr1-160109525-C-G.
Other names: short protein forms P979R.
Identifiers: ClinVar variation 1878570 (VCV001878570.3), dbSNP rs121918615, ClinGen allele CA343255796.